The following is an entry in ClinVar:

ClinVar aggregate classification (germline): Uncertain significance. Review status: criteria provided, multiple submitters, no conflicts (2 of 4 stars). 2 submissions from 2 submitters: Uncertain significance (2). Last evaluated 2025-06-13.

Conditions:
Acute infantile liver failure due to synthesis defect of mtDNA-encoded proteins. Also called: LIVER FAILURE, INFANTILE, TRANSIENT; Liver failure acute infantile; TRMU Deficiency. Identifiers: Orphanet 217371, MedGen C3278664, MONDO:0013111, OMIM 613070.

gnomAD v4.1: 16 of 1,614,126 alleles (0.00099%); highest among the groups gnomAD compares: African/African-American, 0.021%; no homozygotes.

Submissions (2):

GeneDx
Classification: Uncertain significance. Last evaluated: 2025-06-13. Review status: criteria provided, single submitter. Criteria: GeneDx Variant Classification Process June 2021. Collection method: clinical testing. Allele origin: germline. Affected: yes.
Comment: In silico analysis supports that this missense variant has a deleterious effect on protein structure/function; Has not been previously published as pathogenic or benign to our knowledge

Revvity Omics, Revvity
Classification: Uncertain significance for Acute infantile liver failure due to synthesis defect of mtDNA-encoded proteins. Last evaluated: 2022-08-10. Review status: criteria provided, single submitter. Criteria: ACMG Guidelines, 2015. Collection method: clinical testing. Allele origin: germline.

NM_018006.5(TRMU):c.169G>T (p.Ala57Ser)

Gene: TRMU (tRNA mitochondrial 2-thiouridylase; plus strand). Cytogenetic location: 22q13.31.
Variant type: single nucleotide variant.
Coding change: c.169G>T on transcript NM_018006.5 (MANE Select); coding-DNA position 169, G replaced by T.
Protein change: p.Ala57Ser; replaces alanine 57 with serine.
Molecular consequence: missense variant. On other transcripts: 5 prime UTR variant (3), non-coding transcript variant (2).
Genome position (GRCh38, 1-based): chr22:46,337,865, G>T. VCF-style: chr22-46337865-G-T. GRCh37 (hg19) VCF-style: chr22-46733762-G-T.
Other names: c.169G>T (NM_018006.4); c.169G>T, p.Ala57Ser (NM_001008568.2, NM_001008570.2, NM_001282785.2); c.-67G>T (NM_001282782.2); c.-86G>T (NM_001282783.2, NM_001282784.2); short protein forms A57S.
Identifiers: ClinVar variation 2437336 (VCV002437336.4), dbSNP rs754287313, ClinGen allele CA10291961.
Genomic context (GRCh38, chr22:46,337,865, plus strand): 5'-AAGAACTGGGACTCACTGGATGAACATGGGGTCTGTACTGCCGACAAAGACTGTGAAGAT[G>T]CTTACAGAGTTTGCCAGATCTTAGACATCCCTTTCCATCAAGTGTCCTACGTAAAGGAGT-3'
Protein context (NP_060476.2, residues 47-67): VCTADKDCED[Ala57Ser]YRVCQILDIP